The following is an entry in ClinVar:

ClinVar aggregate classification (germline): Uncertain significance (1 of 4 stars; one submission).

Conditions:
Hereditary cancer-predisposing syndrome. Also called: Hereditary Cancer Syndrome; Hereditary neoplastic syndrome; Neoplastic Syndromes, Hereditary; Tumor predisposition. Identifiers: Orphanet 140162, MedGen C0027672, MeSH D009386, MONDO:0015356.

Submission:

Ambry Genetics
Classification: Uncertain significance for Hereditary cancer-predisposing syndrome. Last evaluated: 2020-10-13. Review status: criteria provided, single submitter. Criteria: Ambry Variant Classification Scheme 2023. Collection method: clinical testing. Allele origin: germline.
Comment: The p.V430L variant (also known as c.1288G>T), located in coding exon 8 of the FLCN gene, results from a G to T substitution at nucleotide position 1288. The valine at codon 430 is replaced by leucine, an amino acid with highly similar properties. This amino acid position is not well conserved in available vertebrate species. In addition, the in silico prediction for this alteration is inconclusive. Since supporting evidence is limited at this time, the clinical significance of this alteration remains unclear.

NM_144997.7(FLCN):c.1288G>T (p.Val430Leu)

Gene: FLCN (folliculin; minus strand). Cytogenetic location: 17p11.2.
Variant type: single nucleotide variant.
Coding change: c.1288G>T on transcript NM_144997.7 (MANE Select); coding-DNA position 1288, G replaced by T.
Protein change: p.Val430Leu; replaces valine 430 with leucine.
Molecular consequence: missense variant.
Genome position (GRCh38, 1-based): chr17:17,216,392, C>A on the plus strand (G>T on the coding strand, the complement: FLCN is on the minus strand). VCF-style: chr17-17216392-C-A. GRCh37 (hg19) VCF-style: chr17-17119706-C-A.
Other names: c.1342G>T, p.Val448Leu (NM_001353229.2); c.1288G>T, p.Val430Leu (NM_001353230.2, NM_001353231.2); short protein forms V430L, V448L.
Identifiers: ClinVar variation 1769027 (VCV001769027.2), dbSNP rs911287169, ClinGen allele CA398531611.